The following is an entry in ClinVar:

ClinVar aggregate classification (germline): Uncertain significance (1 of 4 stars; one submission).

Conditions:
Hereditary cancer-predisposing syndrome. Also called: Hereditary neoplastic syndrome; Neoplastic Syndromes, Hereditary; Tumor predisposition; Hereditary Cancer Syndrome. Identifiers: Orphanet 140162, MedGen C0027672, MeSH D009386, MONDO:0015356.

Submission:

Ambry Genetics
Classification: Uncertain significance for Hereditary cancer-predisposing syndrome. Last evaluated: 2025-08-27. Review status: criteria provided, single submitter. Criteria: Ambry Variant Classification Scheme 2023. Collection method: clinical testing. Allele origin: germline.
Comment: The p.E315D variant (also known as c.945A>C), located in coding exon 11 of the MUTYH gene, results from an A to C substitution at nucleotide position 945. The glutamic acid at codon 315 is replaced by aspartic acid, an amino acid with highly similar properties. This amino acid position is conserved. In addition, this alteration is predicted to be tolerated by in silico analysis. Based on the available evidence, the clinical significance of this variant remains unclear.

NM_001048174.2(MUTYH):c.861A>C (p.Glu287Asp)

Gene: MUTYH (mutY DNA glycosylase; minus strand). Cytogenetic location: 1p34.1.
Variant type: single nucleotide variant.
Coding change: c.861A>C on transcript NM_001048174.2 (MANE Select); coding-DNA position 861, A replaced by C.
Protein change: p.Glu287Asp; replaces glutamic acid 287 with aspartic acid.
Molecular consequence: missense variant. On other transcripts: non-coding transcript variant (7).
Genome position (GRCh38, 1-based): chr1:45,332,075, T>G on the plus strand (A>C on the coding strand, the complement: MUTYH is on the minus strand). VCF-style: chr1-45332075-T-G. GRCh37 (hg19) VCF-style: chr1-45797747-T-G.
Other names: c.822A>C, p.Glu274Asp (NM_001407079.1); c.819A>C, p.Glu273Asp (NM_001407080.1); c.861A>C, p.Glu287Asp (NM_001407081.1, NM_001407088.1, NM_001048173.2 and 6 more transcripts); c.516A>C, p.Glu172Asp (NM_001407082.1, NM_001350650.2, NM_001350651.2); c.903A>C, p.Glu301Asp (NM_001407083.1, NM_001407085.1); c.864A>C, p.Glu288Asp (NM_001407086.1, NM_001048172.2, NM_001407071.1 and 1 more transcripts); c.882A>C, p.Glu294Asp (NM_001407087.1); c.945A>C, p.Glu315Asp (NM_001128425.2); and 5 more; short protein forms E195D, E273D, E294D, E312D, E315D, E274D, E287D, E298D.
Identifiers: ClinVar variation 4113932 (VCV004113932.1).